The following is an entry in ClinVar:

ClinVar aggregate classification (germline): Uncertain significance. Review status: criteria provided, multiple submitters, no conflicts (2 of 4 stars). 2 submissions from 2 submitters: Uncertain significance (2). Last evaluated 2025-04-24.

Conditions:
Inborn genetic diseases. Identifiers: MedGen C0950123, MeSH D030342.

Allele frequency attached by ClinVar (database versions not stated): TOPMed 0.00001; gnomAD exomes 0.00002; gnomAD 0.00003; ExAC 0.00005; 1000 Genomes Project 30x 0.00016; 1000 Genomes Project 0.00020.
gnomAD v4.1: 35 of 1,613,956 alleles (0.0022%); highest among the groups gnomAD compares: Admixed American, 0.012%; no homozygotes.

Submissions (2):

Ambry Genetics
Classification: Uncertain significance for Inborn genetic diseases. Last evaluated: 2025-04-24. Review status: criteria provided, single submitter. Criteria: Ambry Variant Classification Scheme 2023. Collection method: clinical testing. Allele origin: germline.

Women's Health and Genetics/Laboratory Corporation of America, LabCorp
Classification: Uncertain significance. Last evaluated: 2023-09-15. Review status: criteria provided, single submitter. Criteria: LabCorp Variant Classification Summary - May 2015. Collection method: clinical testing. Allele origin: germline.
Comment: Variant summary: ARSB c.675C>A (p.Asn225Lys) results in a non-conservative amino acid change located in the Sulfatase, N-terminal (IPR000917) of the encoded protein sequence. Three of five in-silico tools predict a benign effect of the variant on protein function. The variant allele was found at a frequency of 4e-05 in 251234 control chromosomes (gnomAD). This frequency is not significantly higher than estimated for a pathogenic variant in ARSB causing Mucopolysaccharidosis Type VI (Maroteaux-Lamy Syndrome) (4e-05 vs 0.0022), allowing no conclusion about variant significance. To our knowledge, no occurrence of c.675C>A in individuals affected with Mucopolysaccharidosis Type VI (Maroteaux-Lamy Syndrome) and no experimental evidence demonstrating its impact on protein function have been reported. No submitters have cited clinical-significance assessments for this variant to ClinVar after 2014. Based on the evidence outlined above, the variant was classified as uncertain significance.

NM_000046.5(ARSB):c.675C>A (p.Asn225Lys)

Gene: ARSB (arylsulfatase B; minus strand). Cytogenetic location: 5q14.1.
Variant type: single nucleotide variant.
Coding change: c.675C>A on transcript NM_000046.5 (MANE Select); coding-DNA position 675, C replaced by A.
Protein change: p.Asn225Lys; replaces asparagine 225 with lysine.
Molecular consequence: missense variant.
Genome position (GRCh38, 1-based): chr5:78,964,431, G>T on the plus strand (C>A on the coding strand, the complement: ARSB is on the minus strand). VCF-style: chr5-78964431-G-T. GRCh37 (hg19) VCF-style: chr5-78260254-G-T.
Other names: c.675C>A, p.Asn225Lys (NM_198709.3); short protein forms N225K.
Identifiers: ClinVar variation 2627234 (VCV002627234.2), dbSNP rs566000880, ClinGen allele CA3318212.
Genomic context (GRCh38, chr5:78,964,431, plus strand): 5'-TAGTGTAACAAGATTTTGCTATCAGTAAATAGAAGCAAAACTTACCTTCTCTGGTGGATG[G>T]TTAGTTATGAGGGCTATAGCCCTTTTGGTGAATATGTTTGTTGAATACATATTTTTATAT-3'
Protein context (NP_000037.2, residues 215-235): FTKRAIALIT[Asn225Lys]HPPEKPLFLY